The following is an entry in ClinVar:

NM_007348.4(ATF6):c.1485C>G (p.Thr495=)

Gene: ATF6 (activating transcription factor 6; plus strand). Cytogenetic location: 1q23.3.
Variant type: single nucleotide variant.
Coding change: c.1485C>G on transcript NM_007348.4 (MANE Select); coding-DNA position 1485, C replaced by G.
Protein change: p.Thr495=; no amino-acid change (threonine 495 retained).
Molecular consequence: synonymous variant.
Genome position (GRCh38, 1-based): chr1:161,853,275, C>G. VCF-style: chr1-161853275-C-G. GRCh37 (hg19) VCF-style: chr1-161823065-C-G.
Other names: c.1485C>G (NM_007348.3).
Identifiers: ClinVar variation 1167338 (VCV001167338.10), dbSNP rs561285880, ClinGen allele CA1214485.

ClinVar aggregate classification (germline): Benign/Likely benign. Review status: criteria provided, multiple submitters, no conflicts (2 of 4 stars). 3 submissions from 3 submitters: Benign (1); Likely benign (1). 1 of the submissions does not count toward it. Last evaluated 2025-10-09.

Conditions:
ATF6-related disorder. Also called: ATF6-related condition.

Allele frequency attached by ClinVar (database versions not stated): gnomAD 0.00004 and 0.00013; TOPMed 0.00005; gnomAD exomes 0.00024 and 0.00049; 1000 Genomes Project 30x 0.00062; ExAC 0.00064; 1000 Genomes Project 0.00080.
gnomAD v4.1: 386 of 1,613,656 alleles (0.024%); highest among the groups gnomAD compares: South Asian, 0.37%; 2 homozygotes.

Submissions (3):

Labcorp Genetics (formerly Invitae), Labcorp
Classification: Benign. Last evaluated: 2025-10-09. Review status: criteria provided, single submitter. Criteria: Invitae Variant Classification Sherloc (09022015). Collection method: clinical testing. Allele origin: germline.

Blueprint Genetics
Classification: Likely benign. Last evaluated: 2024-10-23. Review status: criteria provided, single submitter. Criteria: ACMG Guidelines, 2015. Collection method: clinical testing. Allele origin: germline.

PreventionGenetics, part of Exact Sciences
Classification: Likely benign for ATF6-related condition. Last evaluated: 2019-07-03. Review status: no assertion criteria provided. Collection method: clinical testing. Allele origin: germline. Not counted in ClinVar's aggregate classification.
Comment: This variant is classified as likely benign based on ACMG/AMP sequence variant interpretation guidelines (Richards et al. 2015 PMID: 25741868, with internal and published modifications).